The following is an entry in ClinVar:

ClinVar aggregate classification (germline): Uncertain significance (1 of 4 stars; one submission).

Conditions:
Cardiac anomalies - developmental delay - facial dysmorphism syndrome (MRFACD). Also called: MED13L Syndrome; Impaired intellectual development and distinctive facial features with or without cardiac defects. Identifiers: Orphanet 369891, MedGen C5192431, MONDO:0014773, OMIM 616789.

gnomAD v4.1: 6 of 1,613,778 alleles (0.00037%); highest among the groups gnomAD compares: Admixed American, 0.0017%; no homozygotes.

Submission:

Juno Genomics, Hangzhou Juno Genomics, Inc
Classification: Uncertain significance for Cardiac anomalies - developmental delay - facial dysmorphism syndrome. Review status: criteria provided, single submitter. Criteria: ACMG Guidelines, 2015. Collection method: clinical testing. Allele origin: germline.
Comment: Absent from controls (or at extremely low frequency if recessive) in Genome Aggregation Database.;Missense variant in a gene that has a low rate of benign missense variation.;Multiple lines of computational evidence support a deleterious effect on the gene or gene product.

NM_015335.5(MED13L):c.815T>C (p.Ile272Thr)

Gene: MED13L (mediator complex subunit 13L; minus strand). Cytogenetic location: 12q24.21.
Variant type: single nucleotide variant.
Coding change: c.815T>C on transcript NM_015335.5 (MANE Select); coding-DNA position 815, T replaced by C.
Protein change: p.Ile272Thr; replaces isoleucine 272 with threonine.
Molecular consequence: missense variant.
Genome position (GRCh38, 1-based): chr12:116,019,783, A>G on the plus strand (T>C on the coding strand, the complement: MED13L is on the minus strand). VCF-style: chr12-116019783-A-G. GRCh37 (hg19) VCF-style: chr12-116457588-A-G.
Other names: short protein forms I272T.
Identifiers: ClinVar variation 5005044 (VCV005005044.2).
Genomic context (GRCh38, chr12:116,019,783, plus strand): 5'-AAATTAAGGAAGAGGAAGAAGAATAAAGTTCTTCAGGCAAAATATTTTCTCTTACCAACA[A>G]TTACTTCAACTGCCACAGGGAAATCATCATCATATCCCAACTCGTCTTCCTCTTTCGATT-3'
Protein context (NP_056150.1, residues 262-282): DDDFPVAVEV[Ile272Thr]VGGVRMVYPS